The following is an entry in ClinVar:

ClinVar aggregate classification (germline): Uncertain significance (1 of 4 stars; one submission).

Allele frequency attached by ClinVar (database versions not stated): gnomAD exomes below 0.00001.
gnomAD v4.1: 1 of 1,541,484 alleles (0.000065%); no homozygotes.

Submission:

Labcorp Genetics (formerly Invitae), Labcorp
Classification: Uncertain significance. Last evaluated: 2023-09-03. Review status: criteria provided, single submitter. Criteria: Invitae Variant Classification Sherloc (09022015). Collection method: clinical testing. Allele origin: germline.
Comment: An algorithm developed to predict the effect of missense changes on protein structure and function (PolyPhen-2) suggests that this variant is likely to be disruptive. In summary, the available evidence is currently insufficient to determine the role of this variant in disease. Therefore, it has been classified as a Variant of Uncertain Significance. This sequence change replaces glutamine, which is neutral and polar, with arginine, which is basic and polar, at codon 936 of the PPP1R12A protein (p.Gln936Arg). This variant is not present in population databases (gnomAD no frequency). This variant has not been reported in the literature in individuals affected with PPP1R12A-related conditions.

NM_002480.3(PPP1R12A):c.2912A>G (p.Gln971Arg)

Gene: PPP1R12A (protein phosphatase 1 regulatory subunit 12A; minus strand). Cytogenetic location: 12q21.2.
Variant type: single nucleotide variant.
Coding change: c.2912A>G on transcript NM_002480.3 (MANE Select); coding-DNA position 2912, A replaced by G.
Protein change: p.Gln971Arg; replaces glutamine 971 with arginine.
Molecular consequence: missense variant.
Genome position (GRCh38, 1-based): chr12:79,781,858, T>C on the plus strand (A>G on the coding strand, the complement: PPP1R12A is on the minus strand). VCF-style: chr12-79781858-T-C. GRCh37 (hg19) VCF-style: chr12-80175638-T-C.
Other names: c.2912A>G, p.Gln971Arg (NM_001143885.2); c.2651A>G, p.Gln884Arg (NM_001143886.2); c.2807A>G, p.Gln936Arg (NM_001244990.2); c.2744A>G, p.Gln915Arg (NM_001244992.1); short protein forms Q915R, Q884R, Q971R, Q936R.
Identifiers: ClinVar variation 2757559 (VCV002757559.3), dbSNP rs2547878419, ClinGen allele CA385837170.